The following is an entry in ClinVar:

NM_001085049.3(MRAS):c.347+3G>A

Gene: MRAS (muscle RAS oncogene homolog; plus strand). Cytogenetic location: 3q22.3.
Variant type: single nucleotide variant.
Coding change: c.347+3G>A on transcript NM_001085049.3 (MANE Select); 3 bases into the intron after coding-DNA position 347, G replaced by A.
Molecular consequence: intron variant.
Genome position (GRCh38, 1-based): chr3:138,397,480, G>A. VCF-style: chr3-138397480-G-A. GRCh37 (hg19) VCF-style: chr3-138116322-G-A.
Other names: c.347+3G>A (NM_012219.4, NM_001252090.2); c.119+3G>A (NM_001252091.1, NM_001252093.2, NM_001252092.2).
Identifiers: ClinVar variation 2900922 (VCV002900922.3), dbSNP rs200375034, ClinGen allele CA2636983.

ClinVar aggregate classification (germline): Uncertain significance (1 of 4 stars; one submission).

Allele frequency attached by ClinVar (database versions not stated): gnomAD exomes 0.00001; TOPMed 0.00001; ExAC 0.00002; 1000 Genomes Project 30x 0.00016; 1000 Genomes Project 0.00020.
gnomAD v4.1: 8 of 1,614,066 alleles (0.0005%); highest among the groups gnomAD compares: Admixed American, 0.01%; no homozygotes.

Submission:

Labcorp Genetics (formerly Invitae), Labcorp
Classification: Uncertain significance. Last evaluated: 2023-09-17. Review status: criteria provided, single submitter. Criteria: Invitae Variant Classification Sherloc (09022015). Collection method: clinical testing. Allele origin: germline.
Comment: Variants that disrupt the consensus splice site are a relatively common cause of aberrant splicing (PMID: 17576681, 9536098). Algorithms developed to predict the effect of sequence changes on RNA splicing suggest that this variant is not likely to affect RNA splicing. In summary, the available evidence is currently insufficient to determine the role of this variant in disease. Therefore, it has been classified as a Variant of Uncertain Significance. This variant has not been reported in the literature in individuals affected with MRAS-related conditions. This variant is present in population databases (rs200375034, gnomAD 0.02%). This sequence change falls in intron 3 of the MRAS gene. It does not directly change the encoded amino acid sequence of the MRAS protein. It affects a nucleotide within the consensus splice site.

Literature cited by the submitters: PubMed 17576681; PubMed 9536098.